The following is an entry in ClinVar:

NM_199420.4(POLQ):c.409C>G (p.Arg137Gly)

Gene: POLQ (DNA polymerase theta; minus strand). Cytogenetic location: 3q13.33.
Variant type: single nucleotide variant.
Coding change: c.409C>G on transcript NM_199420.4 (MANE Select); coding-DNA position 409, C replaced by G.
Protein change: p.Arg137Gly; replaces arginine 137 with glycine.
Molecular consequence: missense variant.
Genome position (GRCh38, 1-based): chr3:121,541,414, G>C on the plus strand (C>G on the coding strand, the complement: POLQ is on the minus strand). VCF-style: chr3-121541414-G-C. GRCh37 (hg19) VCF-style: chr3-121260261-G-C.
Other names: short protein forms R137G.
Identifiers: ClinVar variation 1737805 (VCV001737805.2), dbSNP rs759231797, ClinGen allele CA2563823.

ClinVar aggregate classification (germline): Uncertain significance (1 of 4 stars; one submission).

gnomAD v4.1: 11 of 1,609,456 alleles (0.00068%); highest among the groups gnomAD compares: Non-Finnish European, 0.00093%; no homozygotes.

Submission:

Ambry Genetics
Classification: Uncertain significance. Last evaluated: 2022-01-21. Review status: criteria provided, single submitter. Criteria: Ambry Variant Classification Scheme 2023. Collection method: clinical testing. Allele origin: germline.
Comment: The p.R137G variant (also known as c.409C>G), located in coding exon 3 of the POLQ gene, results from a C to G substitution at nucleotide position 409. The arginine at codon 137 is replaced by glycine, an amino acid with dissimilar properties. This amino acid position is conserved. In addition, this alteration is predicted to be tolerated by in silico analysis. Since supporting evidence is limited at this time, the clinical significance of this alteration remains unclear.